The following is an entry in ClinVar:

ClinVar aggregate classification (germline): Uncertain significance (1 of 4 stars; one submission).

Submission:

Labcorp Genetics (formerly Invitae), Labcorp
Classification: Uncertain significance. Last evaluated: 2021-09-18. Review status: criteria provided, single submitter. Criteria: Invitae Variant Classification Sherloc (09022015). Collection method: clinical testing. Allele origin: germline.
Comment: This sequence change replaces phenylalanine with serine at codon 5100 of the PCLO protein (p.Phe5100Ser). The phenylalanine residue is weakly conserved and there is a large physicochemical difference between phenylalanine and serine. This variant is not present in population databases (ExAC no frequency). This variant has not been reported in the literature in individuals affected with PCLO-related conditions. Algorithms developed to predict the effect of missense changes on protein structure and function are either unavailable or do not agree on the potential impact of this missense change (SIFT: "Deleterious"; PolyPhen-2: "Not Available"; Align-GVGD: "Class C0"). In summary, the available evidence is currently insufficient to determine the role of this variant in disease. Therefore, it has been classified as a Variant of Uncertain Significance.

NM_033026.6(PCLO):c.15299T>C (p.Phe5100Ser)

Gene: PCLO (piccolo presynaptic cytomatrix protein; minus strand). Cytogenetic location: 7q21.11.
Variant type: single nucleotide variant.
Coding change: c.15299T>C on transcript NM_033026.6 (MANE Select); coding-DNA position 15299, T replaced by C.
Protein change: p.Phe5100Ser; replaces phenylalanine 5100 with serine.
Molecular consequence: missense variant.
Genome position (GRCh38, 1-based): chr7:82,758,705, A>G on the plus strand (T>C on the coding strand, the complement: PCLO is on the minus strand). VCF-style: chr7-82758705-A-G. GRCh37 (hg19) VCF-style: chr7-82388021-A-G.
Other names: short protein forms F5100S.
Identifiers: ClinVar variation 1444868 (VCV001444868.1), dbSNP rs1463959139, ClinGen allele CA368019482.